The following is an entry in ClinVar:

ClinVar aggregate classification (germline): Uncertain significance (1 of 4 stars; one submission).

Conditions:
Townes syndrome (TBS). Also called: Townes-Brocks syndrome. Identifiers: Orphanet 857, MedGen C0265246, MeSH C536974, MONDO:0007142.

Allele frequency attached by ClinVar (database versions not stated): gnomAD 0.00001; TOPMed 0.00001; ExAC 0.00002.
gnomAD v4.1: 12 of 1,613,984 alleles (0.00074%); highest among the groups gnomAD compares: Admixed American, 0.017%; no homozygotes.

Submission:

Labcorp Genetics (formerly Invitae), Labcorp
Classification: Uncertain significance for Townes syndrome. Last evaluated: 2022-08-20. Review status: criteria provided, single submitter. Criteria: Invitae Variant Classification Sherloc (09022015). Collection method: clinical testing. Allele origin: germline.
Comment: This sequence change replaces glycine, which is neutral and non-polar, with alanine, which is neutral and non-polar, at codon 677 of the SALL1 protein (p.Gly677Ala). In summary, the available evidence is currently insufficient to determine the role of this variant in disease. Therefore, it has been classified as a Variant of Uncertain Significance. Algorithms developed to predict the effect of missense changes on protein structure and function are either unavailable or do not agree on the potential impact of this missense change (SIFT: "Tolerated"; PolyPhen-2: "Possibly Damaging"; Align-GVGD: "Class C0"). This variant has not been reported in the literature in individuals affected with SALL1-related conditions. This variant is present in population databases (rs760757150, gnomAD 0.02%).

NM_002968.3(SALL1):c.2030G>C (p.Gly677Ala)

Gene: SALL1 (spalt like transcription factor 1; minus strand). Cytogenetic location: 16q12.1.
Variant type: single nucleotide variant.
Coding change: c.2030G>C on transcript NM_002968.3 (MANE Select); coding-DNA position 2030, G replaced by C.
Protein change: p.Gly677Ala; replaces glycine 677 with alanine.
Molecular consequence: missense variant.
Genome position (GRCh38, 1-based): chr16:51,140,192, C>G on the plus strand (G>C on the coding strand, the complement: SALL1 is on the minus strand). VCF-style: chr16-51140192-C-G. GRCh37 (hg19) VCF-style: chr16-51174103-C-G.
Other names: c.1739G>C, p.Gly580Ala (NM_001127892.2); short protein forms G677A, G580A.
Identifiers: ClinVar variation 2192284 (VCV002192284.4), dbSNP rs760757150, ClinGen allele CA8053171.